The following is an entry in ClinVar:

ClinVar aggregate classification (germline): Uncertain significance (1 of 4 stars; one submission).

Conditions:
Tatton-Brown-Rahman overgrowth syndrome. Also called: Tall stature-intellectual disability-facial dysmorphism syndrome; Tatton-Brown-Rahman syndrome. Identifiers: Orphanet 404443, MedGen C4014545, MONDO:0014382, OMIM 615879.

Allele frequency attached by ClinVar (database versions not stated): gnomAD exomes below 0.00001.
gnomAD v4.1: 2 of 1,613,090 alleles (0.00012%); highest among the groups gnomAD compares: Non-Finnish European, 0.000085%; no homozygotes.

Submission:

Labcorp Genetics (formerly Invitae), Labcorp
Classification: Uncertain significance for Tatton-Brown-Rahman overgrowth syndrome. Last evaluated: 2025-10-27. Review status: criteria provided, single submitter. Criteria: Invitae Variant Classification Sherloc (09022015). Collection method: clinical testing. Allele origin: germline.
Comment: This sequence change replaces alanine, which is neutral and non-polar, with glycine, which is neutral and non-polar, at codon 269 of the DNMT3A protein (p.Ala269Gly). This variant is not present in population databases (gnomAD no frequency). This variant has not been reported in the literature in individuals affected with DNMT3A-related conditions. ClinVar contains an entry for this variant (Variation ID: 2975894). Invitae Evidence Modeling of protein sequence and biophysical properties (such as structural, functional, and spatial information, amino acid conservation, physicochemical variation, residue mobility, and thermodynamic stability) indicates that this missense variant is not expected to disrupt DNMT3A protein function with a negative predictive value of 95%. In summary, the available evidence is currently insufficient to determine the role of this variant in disease. Therefore, it has been classified as a Variant of Uncertain Significance.

NM_022552.5(DNMT3A):c.806C>G (p.Ala269Gly)

Gene: DNMT3A (DNA methyltransferase 3 alpha; minus strand). Cytogenetic location: 2p23.3.
Variant type: single nucleotide variant.
Coding change: c.806C>G on transcript NM_022552.5 (MANE Select); coding-DNA position 806, C replaced by G.
Protein change: p.Ala269Gly; replaces alanine 269 with glycine.
Molecular consequence: missense variant. On other transcripts: non-coding transcript variant (1).
Genome position (GRCh38, 1-based): chr2:25,248,086, G>C on the plus strand (C>G on the coding strand, the complement: DNMT3A is on the minus strand). VCF-style: chr2-25248086-G-C. GRCh37 (hg19) VCF-style: chr2-25470955-G-C.
Other names: c.350C>G, p.Ala117Gly (NM_001320893.1); c.137C>G, p.Ala46Gly (NM_001375819.1); c.239C>G, p.Ala80Gly (NM_153759.3); c.806C>G, p.Ala269Gly (NM_175629.2); short protein forms A117G, A46G, A269G, A80G.
Identifiers: ClinVar variation 2975894 (VCV002975894.3), dbSNP rs2149310396, ClinGen allele CA346075974.